The following is an entry in ClinVar:

NM_003482.4(KMT2D):c.13651_15785-305del

Gene: KMT2D (lysine methyltransferase 2D; minus strand). Cytogenetic location: 12q13.12.
Variant type: Deletion.
Coding change: c.13651_15785-305del on transcript NM_003482.4 (MANE Select); coding-DNA position 13651 through 305 bases into the intron before coding-DNA position 15785, 5,663 bases deleted.
Molecular consequence: splice acceptor variant, splice donor variant.
Genome position (GRCh38, 1-based): chr12:49,025,251-49,030,913, 5,663 bases deleted. GRCh37 (hg19): chr12:49,419,036-49,424,698.
Identifiers: ClinVar variation 862877 (VCV000862877.1), ClinGen allele CA916084251.

ClinVar aggregate classification (germline): Likely pathogenic (1 of 4 stars; one submission).

Conditions:
Kabuki syndrome. Also called: Kabuki make-up syndrome; NIIKAWA-KUROKI SYNDROME. Identifiers: Orphanet 2322, MedGen C0796004, MONDO:0016512.

Submission:

Labcorp Genetics (formerly Invitae), Labcorp
Classification: Likely pathogenic for Kabuki syndrome. Last evaluated: 2019-03-08. Review status: criteria provided, single submitter. Criteria: Invitae Variant Classification Sherloc (09022015). Collection method: clinical testing. Allele origin: germline.
Comment: This variant is a deletion of the genomic region encompassing exons 41-48 and part of exon 40 (c.13649_15785-307del) of the KMT2D gene. It is expected to disrupt RNA splicing and likely results in an absent or disrupted protein product. This variant has not been reported in the literature in individuals with KMT2D-related conditions. Loss-of-function variants in KMT2D are known to be pathogenic (PMID: 22126750). In summary, the currently available evidence indicates that the variant is pathogenic, but additional data are needed to prove that conclusively. Therefore, this variant has been classified as Likely Pathogenic.